The following is an entry in ClinVar:

NM_001080517.3(SETD5):c.2635GAG[1] (p.Glu880del)

Gene: SETD5 (SET domain containing 5; plus strand). Cytogenetic location: 3p25.3.
Variant type: Microsatellite.
Coding change: c.2635GAG[1] on transcript NM_001080517.3 (MANE Select); one copy of the 3-base unit GAG starting at c.2635; the reference has two copies in a row; one copy, 3 bases deleted.
Protein change: p.Glu880del; deletes glutamic acid 880.
Molecular consequence: inframe deletion.
Genome position (GRCh38, 1-based): chr3:9,464,586-9,464,588, GAG deleted; deleting any 3 consecutive bases within chr3:9,464,583-9,464,588 gives the same sequence; the position shown is the placement nearest the transcript's 3' end. VCF-style (leftmost placement, unchanged base first): chr3-9464582-AGAG-A. GRCh37 (hg19) VCF-style: chr3-9506266-AGAG-A.
Other names: c.2341GAG[1], p.Glu782del (NM_001292043.2, NM_001349451.2); short protein forms E880del, E782del.
Identifiers: ClinVar variation 2125257 (VCV002125257.4), dbSNP rs2473600901, ClinGen allele CA2580614128.
Genomic context (GRCh38, chr3:9,464,582, plus strand): 5'-TCCCAATTCAGGCTCAAAGAGTCCCCAGCTGGCCACACCTGGCTCATCTCACCCAGGAGA[AGAG>A]GAGTGTCGAAATGGATACAGCCTCATGTTTTCACCAGTCACATCTCTTACTACTGCTAGT-3'

ClinVar aggregate classification (germline): Uncertain significance (1 of 4 stars; one submission).

Submission:

Labcorp Genetics (formerly Invitae), Labcorp
Classification: Uncertain significance. Last evaluated: 2022-09-09. Review status: criteria provided, single submitter. Criteria: Invitae Variant Classification Sherloc (09022015). Collection method: clinical testing. Allele origin: germline.
Comment: In summary, the available evidence is currently insufficient to determine the role of this variant in disease. Therefore, it has been classified as a Variant of Uncertain Significance. Experimental studies and prediction algorithms are not available or were not evaluated, and the functional significance of this variant is currently unknown. This variant has not been reported in the literature in individuals affected with SETD5-related conditions. This variant is not present in population databases (gnomAD no frequency). This variant, c.2638_2640del, results in the deletion of 1 amino acid(s) of the SETD5 protein (p.Glu880del), but otherwise preserves the integrity of the reading frame.